The following is an entry in ClinVar:

NM_001145809.2(MYH14):c.4825C>A (p.Leu1609Met)

Gene: MYH14 (myosin heavy chain 14; plus strand). Cytogenetic location: 19q13.33.
Variant type: single nucleotide variant.
Coding change: c.4825C>A on transcript NM_001145809.2 (MANE Select); coding-DNA position 4825, C replaced by A.
Protein change: p.Leu1609Met; replaces leucine 1609 with methionine.
Molecular consequence: missense variant.
Genome position (GRCh38, 1-based): chr19:50,289,508, C>A. VCF-style: chr19-50289508-C-A. GRCh37 (hg19) VCF-style: chr19-50792765-C-A.
Other names: c.4726C>A, p.Leu1576Met (NM_001077186.2); c.4702C>A, p.Leu1568Met (NM_024729.4); short protein forms L1576M, L1568M, L1609M.
Identifiers: ClinVar variation 4114672 (VCV004114672.2).

ClinVar aggregate classification (germline): Uncertain significance. Review status: criteria provided, multiple submitters, no conflicts (2 of 4 stars). 2 submissions from 2 submitters: Uncertain significance (2). Last evaluated 2026-03-05.

Conditions:
Inborn genetic diseases. Identifiers: MedGen C0950123, MeSH D030342.

gnomAD v4.1: 38 of 1,613,132 alleles (0.0024%); highest among the groups gnomAD compares: Non-Finnish European, 0.0032%; no homozygotes.

Submissions (2):

GeneDx
Classification: Uncertain significance. Last evaluated: 2026-03-05. Review status: criteria provided, single submitter. Criteria: GeneDx Variant Classification Process June 2021. Collection method: clinical testing. Allele origin: germline.
Comment: Not observed at significant frequency in large population cohorts (gnomAD); In silico analysis suggests that this missense variant does not alter protein structure/function; Has not been previously published as pathogenic or benign to our knowledge

Ambry Genetics
Classification: Uncertain significance for Inborn genetic diseases. Last evaluated: 2025-08-30. Review status: criteria provided, single submitter. Criteria: Ambry Variant Classification Scheme 2023. Collection method: clinical testing. Allele origin: germline.